The following is an entry in ClinVar:

ClinVar aggregate classification (germline): Likely pathogenic (1 of 4 stars; one submission).

Conditions:
Ataxia-telangiectasia syndrome (AT). Also called: Ataxia-telangiectasia, complementation group D; AT, COMPLEMENTATION GROUP C; ATAXIA-TELANGIECTASIA, COMPLEMENTATION GROUP A; ATAXIA-TELANGIECTASIA, FRESNO VARIANT; Ataxia-telangiectasia; Ataxia telangiectasia (A-T). Identifiers: Orphanet 100, MedGen C0004135, MONDO:0008840, OMIM 208900.

Submission:

Labcorp Genetics (formerly Invitae), Labcorp
Classification: Likely pathogenic for Ataxia-telangiectasia syndrome. Last evaluated: 2025-12-01. Review status: criteria provided, single submitter. Criteria: Invitae Variant Classification Sherloc (09022015). Collection method: clinical testing. Allele origin: germline.
Comment: This sequence change disrupts the translational stop signal of the ATM mRNA. It is expected to extend the length of the ATM protein by 29 additional amino acid residues. This variant is not present in population databases (gnomAD no frequency). This variant has not been reported in the literature in individuals affected with ATM-related conditions. ClinVar contains an entry for this variant (Variation ID: 1001599). Algorithms developed to predict the effect of sequence changes on RNA splicing suggest that this variant may create or strengthen a splice site. This variant results in an extension of the ATM protein. Other variant(s) that result in a similarly extended protein product (p.*3057Glyext*29) have been determined to be pathogenic (PMID: 8845835, 17910737). This suggests that these extensions are likely to be disease-causing. In summary, the currently available evidence indicates that the variant is pathogenic, but additional data are needed to prove that conclusively. Therefore, this variant has been classified as Likely Pathogenic.

Literature cited by the submitters: PubMed 8845835; PubMed 17910737.

NM_000051.4(ATM):c.9171A>T (p.Ter3057Cys)

Genes: ATM (ATM serine/threonine kinase; plus strand), C11orf65 (chromosome 11 open reading frame 65; minus strand). Cytogenetic location: 11q22.3.
Variant type: single nucleotide variant.
Coding change: c.9171A>T on transcript NM_000051.4 (MANE Select); coding-DNA position 9171, A replaced by T.
Protein change: p.Ter3057Cys.
Molecular consequence: stop lost. On other transcripts: intron variant (2).
Genome position (GRCh38, 1-based): chr11:108,365,508, A>T. VCF-style: chr11-108365508-A-T. GRCh37 (hg19) VCF-style: chr11-108236235-A-T.
Other names: c.9171A>T, p.Ter3057Cys (NM_001351834.2); c.640+20412T>A (NM_001330368.2); c.694+20412T>A (NM_001351110.2).
Identifiers: ClinVar variation 1001599 (VCV001001599.9), dbSNP rs2091262986, ClinGen allele CA382532222.